The following is an entry in ClinVar:

NM_145207.3(AFG2A):c.2144A>C (p.Lys715Thr)

Gene: AFG2A (AAA ATPase AFG2A; plus strand). Cytogenetic location: 4q28.1.
Variant type: single nucleotide variant.
Coding change: c.2144A>C on transcript NM_145207.3 (MANE Select); coding-DNA position 2144, A replaced by C.
Protein change: p.Lys715Thr; replaces lysine 715 with threonine.
Molecular consequence: missense variant.
Genome position (GRCh38, 1-based): chr4:123,057,219, A>C. VCF-style: chr4-123057219-A-C. GRCh37 (hg19) VCF-style: chr4-123978374-A-C.
Other names: c.2141A>C, p.Lys714Thr (NM_001345856.2); short protein forms K715T, K714T.
Identifiers: ClinVar variation 855446 (VCV000855446.6), dbSNP rs1730784531, ClinGen allele CA358227044.
Genomic context (GRCh38, chr4:123,057,219, plus strand): 5'-ATTTTCTAGTGTTTGCTCATCTTTAGCTAATGTGGCACTCTTTCCACCAGACCTTCCGAA[A>C]AGCAAGAGCAGTGGCGCCTTCCATTATTTTCTTTGATGAACTGGATGCCTTAGCAGTTGA-3'
Protein context (NP_660208.2, residues 705-725): SERAVRETFR[Lys715Thr]ARAVAPSIIF

ClinVar aggregate classification (germline): Uncertain significance (1 of 4 stars; one submission).

Conditions:
Microcephaly-intellectual disability-sensorineural hearing loss-epilepsy-abnormal muscle tone syndrome (NEDHSB). Also called: NEURODEVELOPMENTAL DISORDER WITH HEARING LOSS, SEIZURES, AND BRAIN ABNORMALITIES. Identifiers: Orphanet 457351, MedGen C4225276, MONDO:0014698, OMIM 616577.

Submission:

Labcorp Genetics (formerly Invitae), Labcorp
Classification: Uncertain significance for Microcephaly-intellectual disability-sensorineural hearing loss-epilepsy-abnormal muscle tone syndrome. Last evaluated: 2022-07-19. Review status: criteria provided, single submitter. Criteria: Invitae Variant Classification Sherloc (09022015). Collection method: clinical testing. Allele origin: germline.
Comment: In summary, the available evidence is currently insufficient to determine the role of this variant in disease. Therefore, it has been classified as a Variant of Uncertain Significance. Advanced modeling of protein sequence and biophysical properties (such as structural, functional, and spatial information, amino acid conservation, physicochemical variation, residue mobility, and thermodynamic stability) performed at Invitae indicates that this missense variant is expected to disrupt SPATA5 protein function. ClinVar contains an entry for this variant (Variation ID: 855446). This variant has not been reported in the literature in individuals affected with SPATA5-related conditions. This variant is not present in population databases (gnomAD no frequency). This sequence change replaces lysine, which is basic and polar, with threonine, which is neutral and polar, at codon 715 of the SPATA5 protein (p.Lys715Thr).